The following is an entry in ClinVar:

ClinVar aggregate classification (germline): Uncertain significance (1 of 4 stars; one submission).

Conditions:
Charcot-Marie-Tooth disease type 4. Also called: Charcot-Marie-Tooth disease, type IV; Charcot-Marie-Tooth, Type 4. Identifiers: Orphanet 64749, MedGen C4082197, MONDO:0018995.

Submission:

Labcorp Genetics (formerly Invitae), Labcorp
Classification: Uncertain significance for Charcot-Marie-Tooth disease type 4. Last evaluated: 2019-01-30. Review status: criteria provided, single submitter. Criteria: Invitae Variant Classification Sherloc (09022015). Collection method: clinical testing. Allele origin: germline.
Comment: In summary, the available evidence is currently insufficient to determine the role of this variant in disease. Therefore, it has been classified as a Variant of Uncertain Significance. Algorithms developed to predict the effect of missense changes on protein structure and function (SIFT, PolyPhen-2, Align-GVGD) all suggest that this variant is likely to be tolerated, but these predictions have not been confirmed by published functional studies and their clinical significance is uncertain. This variant has not been reported in the literature in individuals with SBF2-related conditions. This variant is not present in population databases (ExAC no frequency). This sequence change replaces alanine with threonine at codon 414 of the SBF2 protein (p.Ala414Thr). The alanine residue is moderately conserved and there is a small physicochemical difference between alanine and threonine.

NM_030962.4(SBF2):c.1240G>A (p.Ala414Thr)

Gene: SBF2 (SET binding factor 2; minus strand). Cytogenetic location: 11p15.4.
Variant type: single nucleotide variant.
Coding change: c.1240G>A on transcript NM_030962.4 (MANE Select); coding-DNA position 1240, G replaced by A.
Protein change: p.Ala414Thr; replaces alanine 414 with threonine.
Molecular consequence: missense variant. On other transcripts: intron variant (1).
Genome position (GRCh38, 1-based): chr11:9,992,471, C>T on the plus strand (G>A on the coding strand, the complement: SBF2 is on the minus strand). VCF-style: chr11-9992471-C-T. GRCh37 (hg19) VCF-style: chr11-10014018-C-T.
Other names: c.1240G>A, p.Ala414Thr (NM_001386339.1); c.1167+519G>A (NM_001386342.1); short protein forms A414T.
Identifiers: ClinVar variation 842907 (VCV000842907.10), dbSNP rs1947481086, ClinGen allele CA379636851.